The following is an entry in ClinVar:

NM_000525.4(KCNJ11):c.776A>G (p.His259Arg)

Gene: KCNJ11 (potassium inwardly rectifying channel subfamily J member 11; minus strand). Cytogenetic location: 11p15.1.
Variant type: single nucleotide variant.
Coding change: c.776A>G on transcript NM_000525.4 (MANE Select); coding-DNA position 776, A replaced by G.
Protein change: p.His259Arg; replaces histidine 259 with arginine.
Molecular consequence: missense variant.
Genome position (GRCh38, 1-based): chr11:17,387,316, T>C on the plus strand (A>G on the coding strand, the complement: KCNJ11 is on the minus strand). VCF-style: chr11-17387316-T-C. GRCh37 (hg19) VCF-style: chr11-17408863-T-C.
Other names: c.515A>G, p.His172Arg (NM_001166290.2, NM_001377296.1, NM_001377297.1); short protein forms H259R, H172R.
Identifiers: ClinVar variation 8677 (VCV000008677.25), dbSNP rs104894248, ClinGen allele CA254522.

ClinVar aggregate classification (germline): Conflicting classifications of pathogenicity. Review status: criteria provided, conflicting classifications (1 of 4 stars). 12 submissions from 12 submitters: Pathogenic (3); Likely pathogenic (4); Uncertain significance (3). 2 of the submissions do not count toward it. Last evaluated 2026-03-05.

Conditions:
Diabetes mellitus, permanent neonatal 2. Also called: KCNJ11-Related Permanent Neonatal Diabetes Mellitus. Identifiers: MedGen C5394296, MONDO:0030087, OMIM 618856.
Maturity-onset diabetes of the young type 13. Also called: MODY, TYPE 13. Identifiers: Orphanet 552, MedGen C4225365, MONDO:0014589, OMIM 616329.
Hyperinsulinemic hypoglycemia, familial, 2. Also called: HYPERINSULINEMIC HYPOGLYCEMIA, PERSISTENT; HYPERINSULINISM, NEONATAL. Identifiers: Orphanet 276580, Orphanet 276603, MedGen C2931833, MONDO:0011153, OMIM 601820. Disease mechanism: loss of function.
Type 2 diabetes mellitus. Also called: Type II diabetes mellitus. Identifiers: MedGen C0011860, MeSH D003924, MONDO:0005148, OMIM 125853, HP:0005978.
Diabetes mellitus, transient neonatal, 3 (TNDM3). Identifiers: Orphanet 99886, MedGen C1864623, MONDO:0012522, OMIM 610582. Disease mechanism: loss of function.
KCNJ11-related disorder. Also called: KCNJ11-related disorders; KCNJ11-related condition.
Permanent neonatal diabetes mellitus (PNDM). Identifiers: Orphanet 99885, MedGen C1833104, MONDO:0100164, MONDO:0011643. Disease mechanism: gain of function.
Familial hyperinsulinism. Also called: Congenital hyperinsulinism. Identifiers: Orphanet 276525, MedGen C3888018, MONDO:0017182. Disease mechanism: loss of function.
Maturity-onset diabetes of the young (MODY). Also called: Maturity onset diabetes mellitus in young. Identifiers: Orphanet 552, MedGen C0342276, MONDO:0018911, HP:0004904.

Allele frequency attached by ClinVar (database versions not stated): gnomAD 0.00001; gnomAD exomes 0.00001 and 0.00004; TOPMed 0.00003; ExAC 0.00007.
gnomAD v4.1: 17 of 1,613,688 alleles (0.0011%); highest among the groups gnomAD compares: Admixed American, 0.023%; no homozygotes.

Submissions (12):

Women's Health and Genetics/Laboratory Corporation of America, LabCorp
Classification: Likely pathogenic for Familial hyperinsulinism. Last evaluated: 2026-03-05. Review status: criteria provided, single submitter. Criteria: LabCorp Variant Classification Summary - May 2015. Collection method: clinical testing. Allele origin: germline.
Comment: Variant summary: KCNJ11 c.776A>G (p.His259Arg) results in a non-conservative amino acid change in the encoded protein sequence. Algorithms developed to predict the effect of missense changes on protein structure and function all suggest that this variant is likely to be disruptive. The variant allele was found at a frequency of 4.4e-05 in 251358 control chromosomes (gnomAD). This frequency is not significantly higher than estimated for disease-causing variants in KCNJ11, allowing no conclusion about variant significance. c.776A>G has been observed in a homozygous individual affected with Congenital Hyperinsulinism (Marthinet_2005), as well as at least one individual affected with MODY (e.g. Santos Monteiro_2023). These data indicate that the variant may be associated with disease. At least one publication reports experimental evidence evaluating an impact on protein function, finding that the variant results in a complete loss of channel current (Marthinet_2005). The following publications have been ascertained in the context of this evaluation (PMID: 15998776, 16416420, 16982483, 18767144, 19254908, 36208343, 26545876). ClinVar contains an entry for this variant (Variation ID: 8677). While this variant has been reported in the literature, the clinical significance of the variant for Neonatal Diabetes Mellitus/Maturity Onset Diabetes Of The Young could not be established. Based on the evidence outlined above, the variant was classified as likely pathogenic for Congenital Hyperinsulinism.

Natera, Inc.
Classification: Likely pathogenic for Permanent neonatal diabetes mellitus. Last evaluated: 2025-09-30. Review status: criteria provided, single submitter. Criteria: Natera Variant Classification Schema (03/2026). Collection method: clinical testing. Allele origin: germline.
Comment: The c.776A>G variant in KCNJ11 is a missense variant predicted to cause substitution of histidine to arginine at amino acid 259. This variant is rare in the general population with a frequency below the threshold expected for the associated phenotype(s). This variant has been observed in one or more individuals affected with the associated recessive disease, as either homozygous or compound heterozygous with a second variant (PMID: 15998776). This variant has been observed in affected individual(s) with monoallelic occurrence (heterozygous/hemizygous) (PMID: 23275527). Functional studies show that this variant may disrupt protein function (PMID: 15998776). Computational prediction algorithms indicate this variant is likely to affect gene or protein function. Given the available evidence, this variant is classified as Likely Pathogenic.

Dasa
Classification: Uncertain significance. Last evaluated: 2025-06-29. Review status: criteria provided, single submitter. Criteria: DASA Assertion Criteria. Collection method: clinical testing. Allele origin: germline.
Comment: NM_000525.4(KCNJ11):c.776A>G (p.His259Arg) is a missense variant that results in the substitution of histidine with arginine. The affected residue or protein region has prior evidence supporting clinical relevance. This variant has been recurrently observed in individuals with KCNJ11-related disorders (PMID: 23798684; PMID: 15998776). Functional evidence supports an impact on the gene or gene product (PMID: 23798684; PMID: 15998776). Also, this variant is rare in population databases. Computational prediction algorithms are consistent with a deleterious effect. The currently available literature and clinical evidence are not sufficient to establish a definitive association between this variant and the reported condition. Therefore, this variant is classified as a variant of uncertain significance.

Labcorp Genetics (formerly Invitae), Labcorp
Classification: Uncertain significance. Last evaluated: 2024-10-16. Review status: criteria provided, single submitter. Criteria: Invitae Variant Classification Sherloc (09022015). Collection method: clinical testing. Allele origin: germline.
Comment: This sequence change replaces histidine, which is basic and polar, with arginine, which is basic and polar, at codon 259 of the KCNJ11 protein (p.His259Arg). This variant is present in population databases (rs104894248, gnomAD 0.03%). This missense change has been observed in individual(s) with congenital hyperinsulinism (PMID: 15998776). ClinVar contains an entry for this variant (Variation ID: 8677). Invitae Evidence Modeling of protein sequence and biophysical properties (such as structural, functional, and spatial information, amino acid conservation, physicochemical variation, residue mobility, and thermodynamic stability) indicates that this missense variant is expected to disrupt KCNJ11 protein function with a positive predictive value of 95%. Experimental studies have shown that this missense change affects KCNJ11 function (PMID: 15998776, 23798684). In summary, the available evidence is currently insufficient to determine the role of this variant in disease. Therefore, it has been classified as a Variant of Uncertain Significance.

Fulgent Genetics
Classification: Likely pathogenic for Type 2 diabetes mellitus; Hyperinsulinemic hypoglycemia, familial, 2; Diabetes mellitus, transient neonatal, 3; Maturity-onset diabetes of the young type 13; Diabetes mellitus, permanent neonatal 2. Last evaluated: 2024-05-29. Review status: criteria provided, single submitter. Criteria: ACMG Guidelines, 2015. Collection method: clinical testing. Allele origin: germline.

Baylor Genetics
Classification: Likely pathogenic for Type 2 diabetes mellitus. Last evaluated: 2024-02-29. Review status: criteria provided, single submitter. Criteria: ACMG Guidelines, 2015. Collection method: clinical testing. Allele origin: unknown.

Mendelics
Classification: Pathogenic for Type 2 diabetes mellitus. Last evaluated: 2022-05-04. Review status: criteria provided, single submitter. Criteria: Mendelics Assertion Criteria 2019. Collection method: clinical testing. Allele origin: germline.

Genome-Nilou Lab
Classification: Pathogenic for Hyperinsulinemic hypoglycemia, familial, 2. Last evaluated: 2021-07-22. Review status: criteria provided, single submitter. Criteria: ACMG Guidelines, 2015. Collection method: clinical testing. Allele origin: germline. Affected: no.

Athena Diagnostics
Classification: Pathogenic. Last evaluated: 2020-06-17. Review status: criteria provided, single submitter. Criteria: Athena Diagnostics Criteria. Collection method: clinical testing. Allele origin: unknown.
Comment: The frequency of this variant in the general population is consistent with pathogenicity. Predicted to have a damaging effect on the protein. This variant is statistically more frequent in affected individuals than in the general population and/or healthy controls. Assessment of experimental evidence suggests this variant results in abnormal protein function.

Clinical Genomics, Uppaluri K&H Personalized Medicine Clinic
Classification: Uncertain significance for Maturity-onset diabetes of the young. Review status: criteria provided, single submitter. Criteria: K&H Uppaluri Personalized Medicine Clinic Variant Classification & Assertion Criteria. Collection method: research. Allele origin: somatic. Inheritance: Autosomal dominant inheritance.
Comment: Mutations in KCNJ11 gene can cause decreased production and secretion of insulin. This can lead to MODY which may be responsive to oral sulfonylureas. It is also associated with Neonatal Diabetes. However, no sufficient evidence is found to ascertain the role of rs104894248 variant in MODY yet.

PreventionGenetics, part of Exact Sciences
Classification: Pathogenic for KCNJ11-related condition. Last evaluated: 2024-08-05. Review status: no assertion criteria provided. Collection method: clinical testing. Allele origin: germline. Not counted in ClinVar's aggregate classification.
Comment: The KCNJ11 c.776A>G variant is predicted to result in the amino acid substitution p.His259Arg. This variant has been reported to be pathogenic for congenital hyperinsulinism (CHI) due to impaired trafficking and abolished channel function (Marthinet et al. 2005. PubMed ID: 15998776). Of note, a different substitution at the same amino acid (p.His259Gln) has been also reported to be pathogenic for CHI (Bellanné-Chantelot et al. 2010. PubMed ID: 20685672; Table S5, Kapoor et al. 2013. PubMed ID: 23345197). This variant is reported in 0.031% of alleles in individuals of Latino descent in gnomAD. This variant is interpreted as pathogenic.

OMIM
Classification: Pathogenic for HYPERINSULINEMIC HYPOGLYCEMIA, FAMILIAL, 2. Last evaluated: 2005-09-01. Review status: no assertion criteria provided. Collection method: literature only. Allele origin: germline. Not counted in ClinVar's aggregate classification.

Literature cited by the submitters: PubMed 15998776 (cited by 6 submitters); PubMed 16416420 (cited by Women's Health and Genetics/Laboratory Corporation of America, LabCorp); PubMed 16982483 (cited by Women's Health and Genetics/Laboratory Corporation of America, LabCorp); PubMed 18767144 (cited by Women's Health and Genetics/Laboratory Corporation of America, LabCorp); PubMed 36208343 (cited by Women's Health and Genetics/Laboratory Corporation of America, LabCorp); PubMed 19254908 (cited by Women's Health and Genetics/Laboratory Corporation of America, LabCorp); PubMed 26545876 (cited by Women's Health and Genetics/Laboratory Corporation of America, LabCorp and Athena Diagnostics); PubMed 23275527 (cited by Natera, Inc. and Athena Diagnostics); PubMed 23798684 (cited by Dasa and Labcorp Genetics (formerly Invitae), Labcorp); PubMed 26448950 (cited by Clinical Genomics, Uppaluri K&H Personalized Medicine Clinic); PubMed 15580558 (cited by Clinical Genomics, Uppaluri K&H Personalized Medicine Clinic); PubMed 15718250 (cited by Clinical Genomics, Uppaluri K&H Personalized Medicine Clinic); PubMed 32935446 (cited by Clinical Genomics, Uppaluri K&H Personalized Medicine Clinic); PubMed 22701567 (cited by Clinical Genomics, Uppaluri K&H Personalized Medicine Clinic).